The following is an entry in ClinVar:

ClinVar aggregate classification (germline): Uncertain significance (1 of 4 stars; one submission).

Conditions:
Melnick-Fraser syndrome (BOR). Also called: Branchiootorenal syndrome; Branchio-oto-renal syndrome; Branchiootorenal Syndrome (BORS). Identifiers: Orphanet 107, MedGen C0265234, MONDO:0007029.

gnomAD v4.1: 1 of 1,614,238 alleles (0.000062%); highest among the groups gnomAD compares: Admixed American, 0.0017%; no homozygotes.

Submission:

Labcorp Genetics (formerly Invitae), Labcorp
Classification: Uncertain significance for Melnick-Fraser syndrome. Last evaluated: 2025-07-22. Review status: criteria provided, single submitter. Criteria: Invitae Variant Classification Sherloc (09022015). Collection method: clinical testing. Allele origin: germline.
Comment: This sequence change replaces threonine, which is neutral and polar, with asparagine, which is neutral and polar, at codon 115 of the EYA1 protein (p.Thr115Asn). This variant is present in population databases (no rsID available, gnomAD 0.003%). This variant has not been reported in the literature in individuals affected with EYA1-related conditions. Invitae Evidence Modeling of protein sequence and biophysical properties (such as structural, functional, and spatial information, amino acid conservation, physicochemical variation, residue mobility, and thermodynamic stability) indicates that this missense variant is not expected to disrupt EYA1 protein function with a negative predictive value of 95%. In summary, the available evidence is currently insufficient to determine the role of this variant in disease. Therefore, it has been classified as a Variant of Uncertain Significance.

NM_000503.6(EYA1):c.344C>A (p.Thr115Asn)

Gene: EYA1 (EYA transcriptional coactivator and phosphatase 1; minus strand). Cytogenetic location: 8q13.3.
Variant type: single nucleotide variant.
Coding change: c.344C>A on transcript NM_000503.6 (MANE Select); coding-DNA position 344, C replaced by A.
Protein change: p.Thr115Asn; replaces threonine 115 with asparagine.
Molecular consequence: missense variant. On other transcripts: 5 prime UTR variant (1).
Genome position (GRCh38, 1-based): chr8:71,321,808, G>T on the plus strand (C>A on the coding strand, the complement: EYA1 is on the minus strand). VCF-style: chr8-71321808-G-T. GRCh37 (hg19) VCF-style: chr8-72234043-G-T.
Other names: c.341C>A, p.Thr114Asn (NM_001288574.2); c.-8C>A (NM_001288575.2); c.431C>A, p.Thr144Asn (NM_001370333.1, NM_172059.5); c.344C>A, p.Thr115Asn (NM_001370334.1, NM_001370335.1, NM_172058.4); c.428C>A, p.Thr143Asn (NM_001370336.1); c.245C>A, p.Thr82Asn (NM_001411797.1, NM_172060.4); short protein forms T82N, T114N, T143N, T115N, T144N.
Identifiers: ClinVar variation 4708524 (VCV004708524.1).